The following is an entry in ClinVar:

NM_000492.4(CFTR):c.1227T>C (p.Phe409=)

Genes: CFTR (CF transmembrane conductance regulator; plus strand), CFTR-AS1 (CFTR antisense RNA 1; minus strand). Cytogenetic location: 7q31.2.
Variant type: single nucleotide variant.
Coding change: c.1227T>C on transcript NM_000492.4 (MANE Select); coding-DNA position 1227, T replaced by C.
Protein change: p.Phe409=; no amino-acid change (phenylalanine 409 retained).
Molecular consequence: synonymous variant.
Genome position (GRCh38, 1-based): chr7:117,548,658, T>C. VCF-style: chr7-117548658-T-C. GRCh37 (hg19) VCF-style: chr7-117188712-T-C.
Identifiers: ClinVar variation 281883 (VCV000281883.20), dbSNP rs778548877, ClinGen allele CA4450959.
Genomic context (GRCh38, chr7:117,548,658, plus strand): 5'-TATTTTTGATGTGTGTGTGTGTGTGTGTGTGTTTTTTTAACAGGGATTTGGGGAATTATT[T>C]GAGAAAGCAAAACAAAACAATAACAATAGAAAAACTTCTAATGGTGATGACAGCCTCTTC-3'
Protein context (NP_000483.3, residues 399-419): AFWEEGFGEL[Phe409=]EKAKQNNNNR

ClinVar aggregate classification (germline): Conflicting classifications of pathogenicity. Review status: criteria provided, conflicting classifications (1 of 4 stars). 7 submissions from 7 submitters: Uncertain significance (1); Likely benign (4). 2 of the submissions do not count toward it. Last evaluated 2025-10-28.

Conditions:
CFTR-related disorder (CFTR-RD). Also called: CFTR-related disorders; CFTR-related condition. Identifiers: MedGen C5924204, MONDO:7770004.
Cystic fibrosis (CF). Also called: MUCOVISCIDOSIS. Identifiers: Orphanet 586, MedGen C0010674, MONDO:0009061, OMIM 219700. Disease mechanism: loss of function.

Allele frequency attached by ClinVar (database versions not stated): ExAC 0.00001; gnomAD exomes 0.00001 and 0.00002; gnomAD 0.00004; TOPMed 0.00006.
gnomAD v4.1: 14 of 1,612,968 alleles (0.00087%); highest among the groups gnomAD compares: African/African-American, 0.017%; no homozygotes.

Submissions (7):

Labcorp Genetics (formerly Invitae), Labcorp
Classification: Likely benign for Cystic fibrosis. Last evaluated: 2025-10-28. Review status: criteria provided, single submitter. Criteria: Invitae Variant Classification Sherloc (09022015). Collection method: clinical testing. Allele origin: germline.

Blueprint Genetics
Classification: Likely benign. Last evaluated: 2022-07-25. Review status: criteria provided, single submitter. Criteria: ACMG Guidelines, 2015. Collection method: clinical testing. Allele origin: germline.

Ambry Genetics
Classification: Likely benign for Cystic fibrosis. Last evaluated: 2021-10-12. Review status: criteria provided, single submitter. Criteria: Ambry Variant Classification Scheme 2023. Collection method: clinical testing. Allele origin: germline.

Genome-Nilou Lab
Classification: Likely benign for Cystic fibrosis. Last evaluated: 2021-07-22. Review status: criteria provided, single submitter. Criteria: ACMG Guidelines, 2015. Collection method: clinical testing. Allele origin: germline. Affected: no.

Eurofins Ntd Llc (ga)
Classification: Uncertain significance. Last evaluated: 2015-07-02. Review status: criteria provided, single submitter. Criteria: EGL Classification Definitions 2015. Collection method: clinical testing. Allele origin: germline. Observed: 1 variant allele, 1 heterozygote.

PreventionGenetics, part of Exact Sciences
Classification: Likely benign for CFTR-related condition. Last evaluated: 2022-06-14. Review status: no assertion criteria provided. Collection method: clinical testing. Allele origin: germline. Not counted in ClinVar's aggregate classification.
Comment: This variant is classified as likely benign based on ACMG/AMP sequence variant interpretation guidelines (Richards et al. 2015 PMID: 25741868, with internal and published modifications).

Natera, Inc.
Classification: Likely benign for CFTR-related disorders. Last evaluated: 2018-07-19. Review status: no assertion criteria provided. Collection method: clinical testing. Allele origin: germline. Not counted in ClinVar's aggregate classification.